The following is an entry in ClinVar:

ClinVar aggregate classification (germline): Uncertain significance (1 of 4 stars; one submission).

Conditions:
Severe combined immunodeficiency due to IKK2 deficiency. Also called: Immunodeficiency 15; IMMUNODEFICIENCY 15B. Identifiers: Orphanet 397787, MedGen C4747743, MONDO:0014267, OMIM 615592.

Submission:

Labcorp Genetics (formerly Invitae), Labcorp
Classification: Uncertain significance for Severe combined immunodeficiency due to IKK2 deficiency. Last evaluated: 2024-10-10. Review status: criteria provided, single submitter. Criteria: Invitae Variant Classification Sherloc (09022015). Collection method: clinical testing. Allele origin: germline.
Comment: This sequence change replaces arginine, which is basic and polar, with leucine, which is neutral and non-polar, at codon 20 of the IKBKB protein (p.Arg20Leu). This variant is present in population databases (no rsID available, gnomAD 0.0004%). This variant has not been reported in the literature in individuals affected with IKBKB-related conditions. An algorithm developed to predict the effect of missense changes on protein structure and function (PolyPhen-2) suggests that this variant is likely to be disruptive. In summary, the available evidence is currently insufficient to determine the role of this variant in disease. Therefore, it has been classified as a Variant of Uncertain Significance.

NM_001556.3(IKBKB):c.59_60delinsTT (p.Arg20Leu)

Gene: IKBKB (inhibitor of nuclear factor kappa B kinase subunit beta; plus strand). Cytogenetic location: 8p11.21.
Variant type: Indel.
Coding change: c.59_60delinsTT on transcript NM_001556.3 (MANE Select); coding-DNA positions 59 to 60, GC replaced by TT.
Protein change: p.Arg20Leu; replaces arginine 20 with leucine.
Molecular consequence: missense variant. On other transcripts: 5 prime UTR variant (1), non-coding transcript variant (3), intron variant (1).
Genome position (GRCh38, 1-based): chr8:42,272,159-42,272,160, GC replaced by TT. VCF-style: chr8-42272159-GC-TT. GRCh37 (hg19) VCF-style: chr8-42129677-GC-TT.
Other names: c.-24_-23delinsTT (NM_001242778.2); c.-88+690_-88+691delinsTT (NM_001190720.3); short protein forms R20L.
Identifiers: ClinVar variation 3673531 (VCV003673531.2).